The following is an entry in ClinVar:

NM_001943.5(DSG2):c.2792G>A (p.Arg931Lys)

Genes: DSG2 (desmoglein 2; plus strand), DSG2-AS1 (DSG2 antisense RNA 1; minus strand). Cytogenetic location: 18q12.1.
Variant type: single nucleotide variant.
Coding change: c.2792G>A on transcript NM_001943.5 (MANE Select); coding-DNA position 2792, G replaced by A.
Protein change: p.Arg931Lys; replaces arginine 931 with lysine.
Molecular consequence: missense variant.
Genome position (GRCh38, 1-based): chr18:31,546,178, G>A. VCF-style: chr18-31546178-G-A. GRCh37 (hg19) VCF-style: chr18-29126141-G-A.
Other names: c.2792G>A (LRG_397t1); short protein forms R931K.
Identifiers: ClinVar variation 264612 (VCV000264612.5), dbSNP rs886039205, ClinGen allele CA10587917.
Genomic context (GRCh38, chr18:31,546,178, plus strand): 5'-CTGTGTCTTCTAGGCAGGCGCAAAAGGTAGCTACACCTCTTCCTGACCCAATGGCTTCTA[G>A]AAATGTGATAGCAACAGAAACTTCCTATGTCACAGGGTCCACTATGCCACCAACCACTGT-3'
Protein context (NP_001934.2, residues 921-941): ATPLPDPMAS[Arg931Lys]NVIATETSYV

ClinVar aggregate classification (germline): Uncertain significance (1 of 4 stars; one submission).

Conditions:
Cardiovascular phenotype. Identifiers: MedGen CN230736.

Submission:

Ambry Genetics
Classification: Uncertain significance for Cardiovascular phenotype. Last evaluated: 2015-12-24. Review status: criteria provided, single submitter. Criteria: Ambry Variant Classification Scheme 2023. Collection method: clinical testing. Allele origin: germline.
Comment: The p.R931K variant (also known as c.2792G>A), located in coding exon 15 of the DSG2 gene, results from a G to A substitution at nucleotide position 2792. The arginine at codon 931 is replaced by lysine, an amino acid with highly similar properties. This variant was not reported in population based cohorts in the following databases: Database of Single Nucleotide Polymorphisms (dbSNP), NHLBI Exome Sequencing Project (ESP), and 1000 Genomes Project. In the ESP, this variant was not observed in 6114 samples (12228 alleles) with coverage at this position. This amino acid position is poorly conserved in available vertebrate species. In addition, this alteration is predicted to be tolerated by in silico analysis. Since supporting evidence is limited at this time, the clinical significance of this variant remains unclear.